The following is an entry in ClinVar:

ClinVar aggregate classification (germline): Pathogenic (1 of 4 stars; one submission).

Conditions:
Myasthenic syndrome, congenital, 22 (CMS22). Also called: PREPL DEFICIENCY. Identifiers: MedGen C4479088, MONDO:0044299, OMIM 616224.

Submission:

Labcorp Genetics (formerly Invitae), Labcorp
Classification: Pathogenic for Myasthenic syndrome, congenital, 22. Last evaluated: 2023-05-04. Review status: criteria provided, single submitter. Criteria: Invitae Variant Classification Sherloc (09022015). Collection method: clinical testing. Allele origin: germline.
Comment: For these reasons, this variant has been classified as Pathogenic. This variant has not been reported in the literature in individuals affected with PREPL-related conditions. This variant is a gross deletion of the genomic region encompassing exon(s) 9-12 of the PREPL gene. This deletion is out-of-frame, and is expected to create a premature termination codon and result in an absent or disrupted protein product. Loss-of-function variants in PREPL are known to be pathogenic (PMID: 24610330, 28726805, 29913539).

Literature cited by the submitters: PubMed 24610330; PubMed 28726805; PubMed 29913539.

NC_000002.11:g.(?_44549870)_(44556251_?)del

Gene: PREPL (prolyl endopeptidase like; minus strand). Cytogenetic location: 2p21.
Variant type: Deletion.
Identifiers: ClinVar variation 1076231 (VCV001076231.3).